The following is an entry in ClinVar:

NM_020533.3(MCOLN1):c.1134+4C>T

Gene: MCOLN1 (mucolipin TRP cation channel 1; plus strand). Cytogenetic location: 19p13.2.
Variant type: single nucleotide variant.
Coding change: c.1134+4C>T on transcript NM_020533.3 (MANE Select); 4 bases into the intron after coding-DNA position 1134, C replaced by T.
Molecular consequence: intron variant.
Genome position (GRCh38, 1-based): chr19:7,528,974, C>T. VCF-style: chr19-7528974-C-T. GRCh37 (hg19) VCF-style: chr19-7593860-C-T.
Identifiers: ClinVar variation 2140913 (VCV002140913.1), dbSNP rs537560127, ClinGen allele CA9139034.
Genomic context (GRCh38, chr19:7,528,974, plus strand): 5'-ACCAGCGATGTGCTCACCATCTCGGGCACCATCATGAAGATCGGCATCGAGGCCAAGGTG[C>T]GTCCTGCCAACACCCTGGGCCCCAGGTCCCATCCCTGCTGTCAGTGCCTATCCGGGGCCA-3'

ClinVar aggregate classification (germline): Uncertain significance (1 of 4 stars; one submission).

Conditions:
Mucolipidosis type IV (ML4). Also called: ML IV. Identifiers: Orphanet 578, MedGen C0238286, MONDO:0009653, OMIM 252650.

Allele frequency attached by ClinVar (database versions not stated): gnomAD 0.00001.
gnomAD v4.1: 25 of 1,613,938 alleles (0.0015%); highest among the groups gnomAD compares: East Asian, 0.0067%; no homozygotes.

Submission:

Labcorp Genetics (formerly Invitae), Labcorp
Classification: Uncertain significance for Mucolipidosis type IV. Last evaluated: 2021-09-01. Review status: criteria provided, single submitter. Criteria: Invitae Variant Classification Sherloc (09022015). Collection method: clinical testing. Allele origin: germline.
Comment: This sequence change falls in intron 9 of the MCOLN1 gene. It does not directly change the encoded amino acid sequence of the MCOLN1 protein. It affects a nucleotide within the consensus splice site of the intron. This variant is present in population databases (rs537560127, ExAC 0.02%). This variant has not been reported in the literature in individuals affected with MCOLN1-related conditions. Variants that disrupt the consensus splice site are a relatively common cause of aberrant splicing (PMID: 17576681, 9536098). Algorithms developed to predict the effect of sequence changes on RNA splicing suggest that this variant may disrupt the consensus splice site. In summary, the available evidence is currently insufficient to determine the role of this variant in disease. Therefore, it has been classified as a Variant of Uncertain Significance.

Literature cited by the submitters: PubMed 17576681; PubMed 9536098.